The following is an entry in ClinVar:

NM_032119.4(ADGRV1):c.6029A>G (p.Lys2010Arg)

Gene: ADGRV1 (adhesion G protein-coupled receptor V1; plus strand). Cytogenetic location: 5q14.3.
Variant type: single nucleotide variant.
Coding change: c.6029A>G on transcript NM_032119.4 (MANE Select); coding-DNA position 6029, A replaced by G.
Protein change: p.Lys2010Arg; replaces lysine 2010 with arginine.
Molecular consequence: missense variant. On other transcripts: non-coding transcript variant (1).
Genome position (GRCh38, 1-based): chr5:90,683,950, A>G. VCF-style: chr5-90683950-A-G. GRCh37 (hg19) VCF-style: chr5-89979767-A-G.
Other names: short protein forms K2010R.
Identifiers: ClinVar variation 666789 (VCV000666789.11), dbSNP rs774354351, ClinGen allele CA3339697.

ClinVar aggregate classification (germline): Conflicting classifications of pathogenicity. Review status: criteria provided, conflicting classifications (1 of 4 stars). 3 submissions from 3 submitters: Uncertain significance (2); Likely benign (1). Last evaluated 2026-01-28.

Allele frequency attached by ClinVar (database versions not stated): TOPMed 0.00005; gnomAD exomes 0.00009 and 0.00012; ExAC 0.00013; gnomAD 0.00014.
gnomAD v4.1: 158 of 1,613,754 alleles (0.0098%); highest among the groups gnomAD compares: Non-Finnish European, 0.0073%; no homozygotes.

Submissions (3):

Labcorp Genetics (formerly Invitae), Labcorp
Classification: Likely benign. Last evaluated: 2026-01-28. Review status: criteria provided, single submitter. Criteria: Invitae Variant Classification Sherloc (09022015). Collection method: clinical testing. Allele origin: germline.

Blueprint Genetics
Classification: Uncertain significance. Last evaluated: 2024-03-18. Review status: criteria provided, single submitter. Criteria: ACMG Guidelines, 2015. Collection method: clinical testing. Allele origin: germline.

Laboratory for Molecular Medicine, Mass General Brigham Personalized Medicine
Classification: Uncertain significance. Last evaluated: 2019-02-07. Review status: criteria provided, single submitter. Criteria: LMM Criteria. Collection method: clinical testing. Allele origin: germline. Observed: 1 variant allele.
Comment: The p.Lys2010Arg variant in ADGRV1 has not been previously reported in individuals with Usher syndrome, but has been identified in 0.068% (17/25010) of Finnish chromosomes by gnomAD. Computational prediction tools and conservation analysis suggest that this variant may not impact the protein, though this information is not predictive enough to rule out pathogenicity. In summary, the clinical significance of this variant is uncertain. ACMG/AMP Criteria applied: BP4.